The following is an entry in ClinVar:

NM_206898.2(MRAP):c.220G>T (p.Glu74Ter)

Genes: MRAP (melanocortin 2 receptor accessory protein; plus strand), URB1 (URB1 ribosome biogenesis factor; minus strand). Cytogenetic location: 21q22.11.
Variant type: single nucleotide variant.
Coding change: c.220G>T on transcript NM_206898.2; coding-DNA position 220, G replaced by T.
Protein change: p.Glu74Ter; replaces glutamic acid 74 with a stop codon.
Molecular consequence: nonsense. On other transcripts: 3 prime UTR variant (1).
Genome position (GRCh38, 1-based): chr21:32,314,564, G>T. VCF-style: chr21-32314564-G-T. GRCh37 (hg19) VCF-style: chr21-33686875-G-T.
Other names: c.*354C>A (NM_014825.3); short protein forms E74*.
Identifiers: ClinVar variation 4540287 (VCV004540287.1).

ClinVar aggregate classification (germline): Uncertain significance (1 of 4 stars; one submission).

gnomAD v4.1: 3 of 1,613,932 alleles (0.00019%); highest among the groups gnomAD compares: Non-Finnish European, 0.00025%; no homozygotes.

Submission:

GeneDx
Classification: Uncertain significance. Last evaluated: 2025-06-26. Review status: criteria provided, single submitter. Criteria: GeneDx Variant Classification Process June 2021. Collection method: clinical testing. Allele origin: germline. Affected: yes.
Comment: Not observed at significant frequency in large population cohorts (gnomAD); Has not been previously published as pathogenic or benign to our knowledge; Reported using an alternate transcript of the gene; Nonsense variant predicted to result in protein truncation as the last 29 amino acid(s) are lost with an unclear effect on protein function